The following is an entry in ClinVar:

ClinVar aggregate classification (germline): Uncertain significance (1 of 4 stars; one submission).

Conditions:
Hereditary cancer-predisposing syndrome. Also called: Tumor predisposition; Neoplastic Syndromes, Hereditary; Hereditary Cancer Syndrome; Hereditary neoplastic syndrome. Identifiers: Orphanet 140162, MedGen C0027672, MeSH D009386, MONDO:0015356.

Submission:

Ambry Genetics
Classification: Uncertain significance for Hereditary cancer-predisposing syndrome. Last evaluated: 2023-07-26. Review status: criteria provided, single submitter. Criteria: Ambry Variant Classification Scheme 2023. Collection method: clinical testing. Allele origin: germline.
Comment: The p.G67C variant (also known as c.199G>T), located in coding exon 2 of the CDKN2A gene, results from a G to T substitution at nucleotide position 199. The glycine at codon 67 is replaced by cysteine, an amino acid with highly dissimilar properties. This amino acid position is highly conserved in available vertebrate species. In addition, this alteration is predicted to be deleterious by in silico analysis. Since supporting evidence is limited at this time, the clinical significance of this alteration remains unclear.

NM_000077.5(CDKN2A):c.199G>T (p.Gly67Cys)

Gene: CDKN2A (cyclin dependent kinase inhibitor 2A; minus strand). Cytogenetic location: 9p21.3.
Variant type: single nucleotide variant.
Coding change: c.199G>T on transcript NM_000077.5; coding-DNA position 199, G replaced by T.
Protein change: p.Gly67Cys; replaces glycine 67 with cysteine.
Molecular consequence: missense variant (on NM_000077.6). On other transcripts: 3 prime UTR variant (1).
Genome position (GRCh38, 1-based): chr9:21,971,160, C>A on the plus strand (G>T on the coding strand, the complement: CDKN2A is on the minus strand). VCF-style: chr9-21971160-C-A. GRCh37 (hg19) VCF-style: chr9-21971159-C-A.
Other names: c.199G>T, p.Gly67Cys (NM_000077.6, NM_001195132.2); c.46G>T, p.Gly16Cys (NM_001363763.2); c.242G>T, p.Arg81Leu (NM_058195.4); c.*122G>T (NM_058197.5); short protein forms G16C, G67C, R81L.
Identifiers: ClinVar variation 2563913 (VCV002563913.3), dbSNP rs758389471, ClinGen allele CA373086349.